The following is an entry in ClinVar:

NM_001134363.3(RBM20):c.2436T>A (p.Thr812=)

Gene: RBM20 (RNA binding motif protein 20; plus strand). Cytogenetic location: 10q25.2.
Variant type: single nucleotide variant.
Coding change: c.2436T>A on transcript NM_001134363.3 (MANE Select); coding-DNA position 2436, T replaced by A.
Protein change: p.Thr812=; no amino-acid change (threonine 812 retained).
Molecular consequence: synonymous variant.
Genome position (GRCh38, 1-based): chr10:110,812,833, T>A. VCF-style: chr10-110812833-T-A. GRCh37 (hg19) VCF-style: chr10-112572591-T-A.
Other names: c.2436T>A (LRG_382t1).
Identifiers: ClinVar variation 506735 (VCV000506735.7), dbSNP rs748814058, ClinGen allele CA5688692.

ClinVar aggregate classification (germline): Likely benign. Review status: criteria provided, multiple submitters, no conflicts (2 of 4 stars). 3 submissions from 3 submitters: Likely benign (3). Last evaluated 2024-02-03.

Conditions:
Dilated cardiomyopathy 1DD (CMD1DD). Identifiers: Orphanet 154, MedGen C2750995, MONDO:0013168, OMIM 613172.
Cardiovascular phenotype. Identifiers: MedGen CN230736.

Allele frequency attached by ClinVar (database versions not stated): gnomAD exomes below 0.00001 and 0.00001; TOPMed below 0.00001; gnomAD 0.00001; ExAC 0.00006.
gnomAD v4.1: 4 of 1,538,092 alleles (0.00026%); highest among the groups gnomAD compares: Non-Finnish European, 0.00035%; no homozygotes.

Submissions (3):

Labcorp Genetics (formerly Invitae), Labcorp
Classification: Likely benign for Dilated cardiomyopathy 1DD. Last evaluated: 2024-02-03. Review status: criteria provided, single submitter. Criteria: Invitae Variant Classification Sherloc (09022015). Collection method: clinical testing. Allele origin: germline.

Ambry Genetics
Classification: Likely benign for Cardiovascular phenotype. Last evaluated: 2018-07-07. Review status: criteria provided, single submitter. Criteria: Ambry Variant Classification Scheme 2023. Collection method: clinical testing. Allele origin: germline.

GeneDx
Classification: Likely benign. Last evaluated: 2017-08-17. Review status: criteria provided, single submitter. Criteria: GeneDx Variant Classification (06012015). Collection method: clinical testing. Allele origin: germline. Affected: yes.
Comment: This variant is considered likely benign or benign based on one or more of the following criteria: it is a conservative change, it occurs at a poorly conserved position in the protein, it is predicted to be benign by multiple in silico algorithms, and/or has population frequency not consistent with disease.